The following is an entry in ClinVar:

ClinVar aggregate classification (germline): Likely pathogenic (1 of 4 stars; one submission).

Conditions:
Autosomal recessive nonsyndromic hearing loss 91. Identifiers: Orphanet 90636, MedGen C3150704, MONDO:0013269, OMIM 613453.

gnomAD v4.1: 14 of 1,614,186 alleles (0.00087%); highest among the groups gnomAD compares: Admixed American, 0.0033%; no homozygotes.

Submission:

Molecular Genetics and NGS Laboratory, Hospital Fundacion Valle Del Lili
Classification: Likely pathogenic for Autosomal recessive nonsyndromic hearing loss 91. Last evaluated: 2024-08-15. Review status: criteria provided, single submitter. Criteria: ACMG Guidelines, 2015. Collection method: clinical testing. Allele origin: germline. Affected: yes. Observed: 1 variant allele.
Comment: Null variant (nonsense) in gene SERPINB6, predicted to cause NMD. Loss-of-function is a known mechanism of disease (gene has 3 reported pathogenic LOF variants) (PVS1). GnomAD genomes homozygous allele count = 0. GnomAD exomes homozygous allele count = 0 (PM2).

NM_004568.6(SERPINB6):c.217C>T (p.Gln73Ter)

Gene: SERPINB6 (serpin family B member 6; minus strand). Cytogenetic location: 6p25.2.
Variant type: single nucleotide variant.
Coding change: c.217C>T on transcript NM_004568.6 (MANE Select); coding-DNA position 217, C replaced by T.
Protein change: p.Gln73Ter; replaces glutamine 73 with a stop codon.
Molecular consequence: nonsense. On other transcripts: non-coding transcript variant (1).
Genome position (GRCh38, 1-based): chr6:2,955,619, G>A on the plus strand (C>T on the coding strand, the complement: SERPINB6 is on the minus strand). VCF-style: chr6-2955619-G-A. GRCh37 (hg19) VCF-style: chr6-2955853-G-A.
Other names: c.229C>T, p.Gln77Ter (NM_001195291.3, NM_001374515.1); c.259C>T, p.Gln87Ter (NM_001271822.2); c.274C>T, p.Gln92Ter (NM_001271823.2); c.217C>T, p.Gln73Ter (NM_001271824.2, NM_001271825.2, NM_001297699.2 and 2 more transcripts); c.85C>T, p.Gln29Ter (NM_001374517.1); short protein forms Q29*, Q73*, Q77*, Q87*, Q92*.
Identifiers: ClinVar variation 3338321 (VCV003338321.2).
Genomic context (GRCh38, chr6:2,955,619, plus strand): 5'-TGTTGGCCATCCTAAGCAAGTACTGCGTGCCAGTCTTGTTCACTTCGGTGAGAAGAGACT[G>A]GAAGCCCTGGTGGATGTCTCCACCACCGCCACTTTTATTGAAAGAAAGTATCTGAAATCA-3'